The following is an entry in ClinVar:

ClinVar aggregate classification (germline): Uncertain significance (1 of 4 stars; one submission).

Conditions:
Inborn genetic diseases. Identifiers: MedGen C0950123, MeSH D030342.

Submission:

Ambry Genetics
Classification: Uncertain significance for Inborn genetic diseases. Last evaluated: 2024-10-12. Review status: criteria provided, single submitter. Criteria: Ambry Variant Classification Scheme 2023. Collection method: clinical testing. Allele origin: germline.
Comment: The p.E2579G variant (also known as c.7736A>G), located in coding exon 46 of the ATR gene, results from an A to G substitution at nucleotide position 7736. The glutamic acid at codon 2579 is replaced by glycine, an amino acid with similar properties. This amino acid position is conserved. In addition, the in silico prediction for this alteration is inconclusive. Based on the available evidence, the clinical significance of this variant remains unclear.

NM_001184.4(ATR):c.7736A>G (p.Glu2579Gly)

Gene: ATR (ATR serine/threonine kinase; minus strand). Cytogenetic location: 3q23.
Variant type: single nucleotide variant.
Coding change: c.7736A>G on transcript NM_001184.4 (MANE Select); coding-DNA position 7736, A replaced by G.
Protein change: p.Glu2579Gly; replaces glutamic acid 2579 with glycine.
Molecular consequence: missense variant.
Genome position (GRCh38, 1-based): chr3:142,453,153, T>C on the plus strand (A>G on the coding strand, the complement: ATR is on the minus strand). VCF-style: chr3-142453153-T-C. GRCh37 (hg19) VCF-style: chr3-142171995-T-C.
Other names: c.7544A>G, p.Glu2515Gly (NM_001354579.2); short protein forms E2579G, E2515G.
Identifiers: ClinVar variation 3461655 (VCV003461655.1).